The following is an entry in ClinVar:

ClinVar aggregate classification (germline): Uncertain significance. Review status: criteria provided, multiple submitters, no conflicts (2 of 4 stars). 2 submissions from 2 submitters: Uncertain significance (2). Last evaluated 2025-05-05.

Conditions:
Hereditary cancer-predisposing syndrome. Also called: Neoplastic Syndromes, Hereditary; Tumor predisposition; Hereditary Cancer Syndrome; Hereditary neoplastic syndrome. Identifiers: Orphanet 140162, MedGen C0027672, MeSH D009386, MONDO:0015356.
Hereditary breast ovarian cancer syndrome. Also called: Breast and ovarian cancer; BRCA1- and BRCA2-Associated Hereditary Breast and Ovarian Cancer; Hereditary breast and ovarian cancer; Hereditary breast and ovarian cancer syndrome (HBOC); Hereditary breast and/or ovarian cancer syndrome; Hereditary breast and ovarian cancer syndrome. Identifiers: Orphanet 145, MedGen C0677776, MeSH D061325, MONDO:0003582. Disease mechanism: loss of function.

Allele frequency attached by ClinVar (database versions not stated): gnomAD exomes below 0.00001.

Submissions (2):

Labcorp Genetics (formerly Invitae), Labcorp
Classification: Uncertain significance for Hereditary breast ovarian cancer syndrome. Last evaluated: 2025-05-05. Review status: criteria provided, single submitter. Criteria: Invitae Variant Classification Sherloc (09022015). Collection method: clinical testing. Allele origin: germline.
Comment: This sequence change replaces aspartic acid, which is acidic and polar, with asparagine, which is neutral and polar, at codon 1398 of the BRCA1 protein (p.Asp1398Asn). This variant is present in population databases (no rsID available, gnomAD 0.0009%). This variant has not been reported in the literature in individuals affected with BRCA1-related conditions. ClinVar contains an entry for this variant (Variation ID: 650198). Invitae Evidence Modeling of protein sequence and biophysical properties (such as structural, functional, and spatial information, amino acid conservation, physicochemical variation, residue mobility, and thermodynamic stability) indicates that this missense variant is not expected to disrupt BRCA1 protein function with a negative predictive value of 80%. In summary, the available evidence is currently insufficient to determine the role of this variant in disease. Therefore, it has been classified as a Variant of Uncertain Significance.

Ambry Genetics
Classification: Uncertain significance for Hereditary cancer-predisposing syndrome. Last evaluated: 2025-02-27. Review status: criteria provided, single submitter. Criteria: Ambry Variant Classification Scheme 2023. Collection method: clinical testing. Allele origin: germline.
Comment: The p.D1398N variant (also known as c.4192G>A), located in coding exon 11 of the BRCA1 gene, results from a G to A substitution at nucleotide position 4192. The aspartic acid at codon 1398 is replaced by asparagine, an amino acid with highly similar properties. This amino acid position is well conserved in available vertebrate species. In addition, the in silico prediction for this alteration is inconclusive. Since supporting evidence is limited at this time, the clinical significance of this alteration remains unclear.

NM_007294.4(BRCA1):c.4192G>A (p.Asp1398Asn)

Gene: BRCA1 (BRCA1 DNA repair associated; minus strand). Cytogenetic location: 17q21.31.
Variant type: single nucleotide variant.
Coding change: c.4192G>A on transcript NM_007294.4 (MANE Select); coding-DNA position 4192, G replaced by A.
Protein change: p.Asp1398Asn; replaces aspartic acid 1398 with asparagine.
Molecular consequence: missense variant. On other transcripts: non-coding transcript variant (1).
Genome position (GRCh38, 1-based): chr17:43,082,569, C>T on the plus strand (G>A on the coding strand, the complement: BRCA1 is on the minus strand). VCF-style: chr17-43082569-C-T. GRCh37 (hg19) VCF-style: chr17-41234586-C-T.
Other names: c.3922G>A, p.Asp1308Asn (NM_001407934.1); c.3925G>A, p.Asp1309Asn (NM_001407935.1, NM_001407936.1, NM_001407930.1 and 3 more transcripts); c.4066G>A, p.Asp1356Asn (NM_001407940.1, NM_001407941.1, NM_001407649.1 and 12 more transcripts); c.4051G>A, p.Asp1351Asn (NM_001407942.1, NM_001407944.1, NM_001407945.1 and 23 more transcripts); c.4048G>A, p.Asp1350Asn (NM_001407943.1, NM_001407964.1, NM_001407740.1 and 23 more transcripts); c.4069G>A, p.Asp1357Asn (NM_001407937.1, NM_001407938.1, NM_001407939.1 and 13 more transcripts); c.3859G>A, p.Asp1287Asn (NM_001407948.1, NM_001407949.1, NM_001407950.1 and 3 more transcripts); c.3856G>A, p.Asp1286Asn (NM_001407952.1, NM_001407953.1, NM_001407954.1 and 3 more transcripts); and 51 more; short protein forms D1351N, D1398N, D295N, D1229N, D1270N, D1328N, D1349N, D1355N.
Identifiers: ClinVar variation 650198 (VCV000650198.13), dbSNP rs876660331, ClinGen allele CA10593336.